The following is an entry in ClinVar:

NM_182493.3(MYLK3):c.925G>A (p.Gly309Ser)

Gene: MYLK3 (myosin light chain kinase 3; minus strand). Cytogenetic location: 16q11.2.
Variant type: single nucleotide variant.
Coding change: c.925G>A on transcript NM_182493.3 (MANE Select); coding-DNA position 925, G replaced by A.
Protein change: p.Gly309Ser; replaces glycine 309 with serine.
Molecular consequence: missense variant. On other transcripts: intron variant (1).
Genome position (GRCh38, 1-based): chr16:46,737,787, C>T on the plus strand (G>A on the coding strand, the complement: MYLK3 is on the minus strand). VCF-style: chr16-46737787-C-T. GRCh37 (hg19) VCF-style: chr16-46771699-C-T.
Other names: c.-23+2270G>A (NM_001308301.1); short protein forms G309S.
Identifiers: ClinVar variation 2089266 (VCV002089266.4), dbSNP rs758059819, ClinGen allele CA8038118.
Genomic context (GRCh38, chr16:46,737,787, plus strand): 5'-CACCACTGTGGGTTGCCCTGGCCTGGGCTGGCAGCCCTGGAGGCCCTGGGCACTGAGGGC[C>T]AGGCCCTGGAGTCAGCCTCGTGCCTTCCTCTAAGGGCTCAGGGTCAGGCCTGCTGGACGA-3'
Protein context (NP_872299.2, residues 299-319): EEGTRLTPGP[Gly309Ser]PQCPGPPGLP

ClinVar aggregate classification (germline): Uncertain significance (1 of 4 stars; one submission).

Allele frequency attached by ClinVar (database versions not stated): ExAC 0.00001; gnomAD 0.00001; TOPMed 0.00001.
gnomAD v4.1: 3 of 1,612,018 alleles (0.00019%); highest among the groups gnomAD compares: African/African-American, 0.0013%; no homozygotes.

Submission:

Labcorp Genetics (formerly Invitae), Labcorp
Classification: Uncertain significance. Last evaluated: 2024-12-12. Review status: criteria provided, single submitter. Criteria: Invitae Variant Classification Sherloc (09022015). Collection method: clinical testing. Allele origin: germline.
Comment: This sequence change replaces glycine, which is neutral and non-polar, with serine, which is neutral and polar, at codon 309 of the MYLK3 protein (p.Gly309Ser). The frequency data for this variant in the population databases is considered unreliable, as metrics indicate poor data quality at this position in the gnomAD database. This variant has not been reported in the literature in individuals affected with MYLK3-related conditions. ClinVar contains an entry for this variant (Variation ID: 2089266). An algorithm developed to predict the effect of missense changes on protein structure and function outputs the following: PolyPhen-2: "Benign". The serine amino acid residue is found in multiple mammalian species, which suggests that this missense change does not adversely affect protein function. In summary, the available evidence is currently insufficient to determine the role of this variant in disease. Therefore, it has been classified as a Variant of Uncertain Significance.